The following is an entry in ClinVar:

ClinVar aggregate classification (germline): Benign/Likely benign. Review status: criteria provided, multiple submitters, no conflicts (2 of 4 stars). 3 submissions from 3 submitters: Benign (1); Likely benign (2). Last evaluated 2025-11-22.

Conditions:
Hereditary cancer-predisposing syndrome. Also called: Hereditary neoplastic syndrome; Neoplastic Syndromes, Hereditary; Tumor predisposition; Hereditary Cancer Syndrome. Identifiers: Orphanet 140162, MedGen C0027672, MeSH D009386, MONDO:0015356.
Hereditary diffuse gastric adenocarcinoma (HDGC). Also called: DIFFUSE GASTRIC AND LOBULAR BREAST CANCER SYNDROME. Identifiers: Orphanet 26106, MedGen C1708349, MONDO:0007648, OMIM 137215.

gnomAD v4.1: 15 of 1,614,102 alleles (0.00093%); highest among the groups gnomAD compares: East Asian, 0.033%; no homozygotes.

Submissions (3):

Labcorp Genetics (formerly Invitae), Labcorp
Classification: Likely benign. Last evaluated: 2025-11-22. Review status: criteria provided, single submitter. Criteria: Invitae Variant Classification Sherloc (09022015). Collection method: clinical testing. Allele origin: germline.

Myriad Genetics, Inc.
Classification: Benign for Hereditary diffuse gastric adenocarcinoma. Last evaluated: 2024-10-15. Review status: criteria provided, single submitter. Criteria: Myriad Autosomal Dominant, Autosomal Recessive and X-Linked Classification Criteria (2023). Collection method: clinical testing. Allele origin: unknown.
Comment: This variant is considered benign. This variant is a silent/synonymous amino acid change and it is not expected to impact splicing.

Ambry Genetics
Classification: Likely benign for Hereditary cancer-predisposing syndrome. Last evaluated: 2022-01-20. Review status: criteria provided, single submitter. Criteria: Ambry Variant Classification Scheme 2023. Collection method: clinical testing. Allele origin: germline.

NM_001903.5(CTNNA1):c.2265G>A (p.Arg755=)

Gene: CTNNA1 (catenin alpha 1; plus strand). Cytogenetic location: 5q31.2.
Variant type: single nucleotide variant.
Coding change: c.2265G>A on transcript NM_001903.5 (MANE Select); coding-DNA position 2265, G replaced by A.
Protein change: p.Arg755=; no amino-acid change (arginine 755 retained).
Molecular consequence: synonymous variant.
Genome position (GRCh38, 1-based): chr5:138,930,902, G>A. VCF-style: chr5-138930902-G-A. GRCh37 (hg19) VCF-style: chr5-138266591-G-A.
Other names: c.2265G>A, p.Arg755= (NM_001290307.3, NM_001323982.2, NM_001323983.1 and 2 more transcripts); c.1956G>A, p.Arg652= (NM_001290309.3); c.1896G>A, p.Arg632= (NM_001290310.3); c.1155G>A, p.Arg385= (NM_001290312.1, NM_001323987.1, NM_001323988.1 and 17 more transcripts); c.2172G>A, p.Arg724= (NM_001323986.2); c.816G>A, p.Arg272= (NM_001324006.1, NM_001324007.1, NM_001324008.1 and 2 more transcripts); c.1062G>A, p.Arg354= (NM_001324011.1); c.912G>A, p.Arg304= (NM_001324012.1, NM_001324013.1).
Identifiers: ClinVar variation 736749 (VCV000736749.14), dbSNP rs1580911664, ClinGen allele CA446598130.